The following is an entry in ClinVar:

ClinVar aggregate classification (germline): Uncertain significance (1 of 4 stars; one submission).

Submission:

Ambry Genetics
Classification: Uncertain significance. Last evaluated: 2021-12-02. Review status: criteria provided, single submitter. Criteria: Ambry Variant Classification Scheme 2023. Collection method: clinical testing. Allele origin: germline.
Comment: The p.D821N variant (also known as c.2461G>A), located in coding exon 13 of the NPAT gene, results from a G to A substitution at nucleotide position 2461. The aspartic acid at codon 821 is replaced by asparagine, an amino acid with highly similar properties. This amino acid position is conserved. In addition, this alteration is predicted to be tolerated by in silico analysis. Since supporting evidence is limited at this time, the clinical significance of this alteration remains unclear.

NM_002519.3(NPAT):c.2461G>A (p.Asp821Asn)

Gene: NPAT (nuclear protein, coactivator of histone transcription; minus strand). Cytogenetic location: 11q22.3.
Variant type: single nucleotide variant.
Coding change: c.2461G>A on transcript NM_002519.3 (MANE Select); coding-DNA position 2461, G replaced by A.
Protein change: p.Asp821Asn; replaces aspartic acid 821 with asparagine.
Molecular consequence: missense variant.
Genome position (GRCh38, 1-based): chr11:108,172,523, C>T on the plus strand (G>A on the coding strand, the complement: NPAT is on the minus strand). VCF-style: chr11-108172523-C-T. GRCh37 (hg19) VCF-style: chr11-108043250-C-T.
Other names: c.2461G>A, p.Asp821Asn (NM_001321307.1); short protein forms D821N.
Identifiers: ClinVar variation 1791640 (VCV001791640.2), dbSNP rs2077961896, ClinGen allele CA382512932.